The following is an entry in ClinVar:

ClinVar aggregate classification (germline): Uncertain significance (1 of 4 stars; one submission).

Submission:

Women's Health and Genetics/Laboratory Corporation of America, LabCorp
Classification: Uncertain significance. Last evaluated: 2024-08-06. Review status: criteria provided, single submitter. Criteria: LabCorp Variant Classification Summary - May 2015. Collection method: clinical testing. Allele origin: germline.
Comment: Variant summary: NAGLU c.1851G>C (p.Leu617Phe) results in a non-conservative amino acid change in the encoded protein sequence. Five of five in-silico tools predict a damaging effect of the variant on protein function. The frequency data for this variant in gnomAD is considered unreliable, as metrics indicate poor data quality at this position. c.1851G>C has been reported in the literature in a heterozygous individual affected with Mucopolysaccharidosis Type IIIB (Sanfilippo Syndrome B) without a second variant identified (Weber_1999). This report does not provide unequivocal conclusions about association of the variant with Mucopolysaccharidosis Type IIIB (Sanfilippo Syndrome B). To our knowledge, no experimental evidence demonstrating an impact on protein function has been reported. The following publication has been ascertained in the context of this evaluation (PMID: 10094189). ClinVar contains an entry for this variant (Variation ID: 554081). Based on the evidence outlined above, the variant was classified as uncertain significance.

Literature cited by the submitters: PubMed 10094189.

NM_000263.4(NAGLU):c.1851G>C (p.Leu617Phe)

Gene: NAGLU (N-acetyl-alpha-glucosaminidase; plus strand). Cytogenetic location: 17q21.2.
Variant type: single nucleotide variant.
Coding change: c.1851G>C on transcript NM_000263.4 (MANE Select); coding-DNA position 1851, G replaced by C.
Protein change: p.Leu617Phe; replaces leucine 617 with phenylalanine.
Molecular consequence: missense variant.
Genome position (GRCh38, 1-based): chr17:42,543,857, G>C. VCF-style: chr17-42543857-G-C. GRCh37 (hg19) VCF-style: chr17-40695875-G-C.
Other names: short protein forms L617F.
Identifiers: ClinVar variation 3366457 (VCV003366457.1).